The following is an entry in ClinVar:

NM_017763.6(RNF43):c.9T>C (p.Gly3=)

Gene: RNF43 (ring finger protein 43; minus strand). Cytogenetic location: 17q22.
Variant type: single nucleotide variant.
Coding change: c.9T>C on transcript NM_017763.6 (MANE Select); coding-DNA position 9, T replaced by C.
Protein change: p.Gly3=; no amino-acid change (glycine 3 retained).
Molecular consequence: synonymous variant. On other transcripts: intron variant (1).
Genome position (GRCh38, 1-based): chr17:58,415,569, A>G on the plus strand (T>C on the coding strand, the complement: RNF43 is on the minus strand). VCF-style: chr17-58415569-A-G. GRCh37 (hg19) VCF-style: chr17-56492930-A-G.
Other names: c.9T>C, p.Gly3= (NM_001305544.3, NM_001438820.1, NM_001438821.1 and 1 more transcripts); c.-130+1448T>C (NM_001437987.1).
Identifiers: ClinVar variation 4875672 (VCV004875672.1).

ClinVar aggregate classification (germline): Benign (1 of 4 stars; one submission).

Conditions:
Sessile serrated polyposis cancer syndrome (SSPCS). Identifiers: Orphanet 157798, MedGen C4310714, MONDO:0014919, OMIM 617108.

gnomAD v4.1: 2 of 1,607,472 alleles (0.00012%); highest among the groups gnomAD compares: Non-Finnish European, 0.00017%; no homozygotes.

Submission:

Myriad Genetics, Inc.
Classification: Benign for Sessile serrated polyposis cancer syndrome. Last evaluated: 2026-06-29. Review status: criteria provided, single submitter. Criteria: Myriad Autosomal Dominant, Autosomal Recessive and X-Linked Classification Criteria (2023). Collection method: clinical testing. Allele origin: unknown.
Comment: This variant is considered benign. This variant is a silent/synonymous amino acid change and it is not expected to impact splicing.